The following is an entry in ClinVar:

NM_018230.3(NUP133):c.1695T>C (p.Ser565=)

Gene: NUP133 (nucleoporin 133; minus strand). Cytogenetic location: 1q42.13.
Variant type: single nucleotide variant.
Coding change: c.1695T>C on transcript NM_018230.3 (MANE Select); coding-DNA position 1695, T replaced by C.
Protein change: p.Ser565=; no amino-acid change (serine 565 retained).
Molecular consequence: synonymous variant.
Genome position (GRCh38, 1-based): chr1:229,477,658, A>G on the plus strand (T>C on the coding strand, the complement: NUP133 is on the minus strand). VCF-style: chr1-229477658-A-G. GRCh37 (hg19) VCF-style: chr1-229613405-A-G.
Identifiers: ClinVar variation 3036109 (VCV003036109.3), dbSNP rs139058237, ClinGen allele CA1443475.

ClinVar aggregate classification (germline): Likely benign. Review status: criteria provided, single submitter (1 of 4 stars). 2 submissions from 2 submitters: Likely benign (1). 1 of the submissions does not count toward it. Last evaluated 2025-06-12.

Conditions:
NUP133-related disorder. Also called: NUP133-related condition.

Allele frequency attached by ClinVar (database versions not stated): gnomAD exomes 0.00002; ExAC 0.00007; gnomAD 0.00019; TOPMed 0.00020; ESP Exome Variant Server 0.00054.
gnomAD v4.1: 60 of 1,613,982 alleles (0.0037%); highest among the groups gnomAD compares: African/African-American, 0.052%; no homozygotes.

Submissions (2):

Labcorp Genetics (formerly Invitae), Labcorp
Classification: Likely benign. Last evaluated: 2025-06-12. Review status: criteria provided, single submitter. Criteria: Invitae Variant Classification Sherloc (09022015). Collection method: clinical testing. Allele origin: germline.

PreventionGenetics, part of Exact Sciences
Classification: Likely benign for NUP133-related condition. Last evaluated: 2020-07-02. Review status: no assertion criteria provided. Collection method: clinical testing. Allele origin: germline. Not counted in ClinVar's aggregate classification.
Comment: This variant is classified as likely benign based on ACMG/AMP sequence variant interpretation guidelines (Richards et al. 2015 PMID: 25741868, with internal and published modifications).